The following is an entry in ClinVar:

NM_007118.4(TRIO):c.5595C>T (p.Asp1865=)

Gene: TRIO (trio Rho guanine nucleotide exchange factor; plus strand). Cytogenetic location: 5p15.2.
Variant type: single nucleotide variant.
Coding change: c.5595C>T on transcript NM_007118.4 (MANE Select); coding-DNA position 5595, C replaced by T.
Protein change: p.Asp1865=; no amino-acid change (aspartic acid 1865 retained).
Molecular consequence: synonymous variant. On other transcripts: non-coding transcript variant (1).
Genome position (GRCh38, 1-based): chr5:14,462,853, C>T. VCF-style: chr5-14462853-C-T. GRCh37 (hg19) VCF-style: chr5-14462962-C-T.
Identifiers: ClinVar variation 1301492 (VCV001301492.27), dbSNP rs539850349, ClinGen allele CA3206780.

ClinVar aggregate classification (germline): Likely benign. Review status: criteria provided, multiple submitters, no conflicts (2 of 4 stars). 3 submissions from 3 submitters: Likely benign (3). Last evaluated 2024-06-10.

Allele frequency attached by ClinVar (database versions not stated): gnomAD 0.00001; gnomAD exomes 0.00001 and 0.00002; TOPMed 0.00001; ExAC 0.00002; 1000 Genomes Project 30x 0.00016; 1000 Genomes Project 0.00020.
gnomAD v4.1: 20 of 1,613,324 alleles (0.0012%); highest among the groups gnomAD compares: Middle Eastern, 0.033%; no homozygotes.

Submissions (3):

Women's Health and Genetics/Laboratory Corporation of America, LabCorp
Classification: Likely benign. Last evaluated: 2024-06-10. Review status: criteria provided, single submitter. Criteria: LabCorp Variant Classification Summary - May 2015. Collection method: clinical testing. Allele origin: germline.

CeGaT Center for Human Genetics Tuebingen
Classification: Likely benign. Last evaluated: 2022-04-01. Review status: criteria provided, single submitter. Criteria: CeGaT Center For Human Genetics Tuebingen Variant Classification Criteria Version 2. Collection method: clinical testing. Allele origin: germline. Affected: yes. Observed: 1 variant allele.
Comment: TRIO: BP4, BP7

GeneDx
Classification: Likely benign. Last evaluated: 2021-04-21. Review status: criteria provided, single submitter. Criteria: GeneDx Variant Classification Process June 2021. Collection method: clinical testing. Allele origin: germline. Affected: yes.